The following is an entry in ClinVar:

ClinVar aggregate classification (germline): Uncertain significance (1 of 4 stars; one submission).

Conditions:
Congenital muscular dystrophy due to integrin alpha-7 deficiency. Also called: Congenital muscular dystrophy with integrin alpha-7 deficiency; Muscular dystrophy, congenital, due to ITGA7 deficiency; MYOPATHY, CONGENITAL, DUE TO INTEGRIN ALPHA-7 DEFICIENCY. Identifiers: Orphanet 34520, MedGen C2750786, MONDO:0013177, OMIM 613204.

Allele frequency attached by ClinVar (database versions not stated): gnomAD exomes below 0.00001.
gnomAD v4.1: 2 of 1,614,220 alleles (0.00012%); highest among the groups gnomAD compares: Non-Finnish European, 0.00017%; no homozygotes.

Submission:

Labcorp Genetics (formerly Invitae), Labcorp
Classification: Uncertain significance for Congenital muscular dystrophy due to integrin alpha-7 deficiency. Last evaluated: 2022-07-06. Review status: criteria provided, single submitter. Criteria: Invitae Variant Classification Sherloc (09022015). Collection method: clinical testing. Allele origin: germline.
Comment: This variant is not present in population databases (gnomAD no frequency). This sequence change replaces glutamine, which is neutral and polar, with glutamic acid, which is acidic and polar, at codon 199 of the ITGA7 protein (p.Gln199Glu). This variant has not been reported in the literature in individuals affected with ITGA7-related conditions. In summary, the available evidence is currently insufficient to determine the role of this variant in disease. Therefore, it has been classified as a Variant of Uncertain Significance. Algorithms developed to predict the effect of missense changes on protein structure and function (SIFT, PolyPhen-2, Align-GVGD) all suggest that this variant is likely to be tolerated. ClinVar contains an entry for this variant (Variation ID: 1423347).

NM_002206.3(ITGA7):c.595C>G (p.Gln199Glu)

Gene: ITGA7 (integrin subunit alpha 7; minus strand). Cytogenetic location: 12q13.2.
Variant type: single nucleotide variant.
Coding change: c.595C>G on transcript NM_002206.3 (MANE Select); coding-DNA position 595, C replaced by G.
Protein change: p.Gln199Glu; replaces glutamine 199 with glutamic acid.
Molecular consequence: missense variant. On other transcripts: 5 prime UTR variant (1).
Genome position (GRCh38, 1-based): chr12:55,700,974, G>C on the plus strand (C>G on the coding strand, the complement: ITGA7 is on the minus strand). VCF-style: chr12-55700974-G-C. GRCh37 (hg19) VCF-style: chr12-56094758-G-C.
Other names: c.595C>G, p.Gln199Glu (NM_001144996.2, NM_001374465.1, NM_001410977.1 and 5 more transcripts); c.304C>G, p.Gln102Glu (NM_001144997.2); c.256C>G, p.Gln86Glu (NM_001367993.1, NM_001414035.1); c.-578C>G (NM_001367994.1); short protein forms Q102E, Q199E, Q86E.
Identifiers: ClinVar variation 1423347 (VCV001423347.6), dbSNP rs2136055708, ClinGen allele CA385192078.